The following is an entry in ClinVar:

NM_001374828.1(ARID1B):c.886CCG[3] (p.Pro297_Val298insPro)

Genes: ARID1B (AT-rich interaction domain 1B; plus strand), LOC129997525 (ATAC-STARR-seq lymphoblastoid silent region 17712; plus strand). Cytogenetic location: 6q25.3.
Variant type: Microsatellite.
Coding change: c.886CCG[3] on transcript NM_001374828.1 (MANE Select); three copies in a row of the 3-base unit CCG starting at c.886; the reference has two copies in a row; one copy, 3 bases duplicated.
Protein change: p.Pro297_Val298insPro.
Molecular consequence: inframe insertion. On other transcripts: inframe indel (3).
Genome position (GRCh38, 1-based): chr6:156,778,569-156,778,571, CCG duplicated; duplicating any 3 consecutive bases within chr6:156,778,565-156,778,571 gives the same sequence; the position shown is the placement nearest the transcript's 3' end. VCF-style (leftmost placement, unchanged base first): chr6-156778564-A-AGCC. GRCh37 (hg19) VCF-style: chr6-157099698-A-AGCC.
Other names: c.637_639CCG[3], p.Pro214_Val215insPro (NM_001346813.1, NM_020732.3); c.886CCG[3], p.Pro297_Val298insPro (NM_001371656.1, NM_001374820.1, NM_017519.3); c.463_465CCG[3], p.Pro156_Val157insPro (NM_175863.2).
Identifiers: ClinVar variation 2094147 (VCV002094147.28), dbSNP rs2546827954, ClinGen allele CA2573334455.

ClinVar aggregate classification (germline): Conflicting classifications of pathogenicity. Review status: criteria provided, conflicting classifications (1 of 4 stars). 2 submissions from 2 submitters: Uncertain significance (1); Likely benign (1). Last evaluated 2023-08-10.

Submissions (2):

Labcorp Genetics (formerly Invitae), Labcorp
Classification: Likely benign. Last evaluated: 2023-08-10. Review status: criteria provided, single submitter. Criteria: Invitae Variant Classification Sherloc (09022015). Collection method: clinical testing. Allele origin: germline.

CeGaT Center for Human Genetics Tuebingen
Classification: Uncertain significance. Last evaluated: 2023-06-01. Review status: criteria provided, single submitter. Criteria: CeGaT Center For Human Genetics Tuebingen Variant Classification Criteria Version 2. Collection method: clinical testing. Allele origin: germline. Affected: yes. Observed: 1 variant allele.
Comment: ARID1B: PM2